The following is an entry in ClinVar:

ClinVar aggregate classification (germline): Uncertain significance (1 of 4 stars; one submission).

Conditions:
Combined immunodeficiency due to DOCK8 deficiency (HIES2). Also called: HIES autosomal recessive; HYPER-IgE RECURRENT INFECTION SYNDROME 2, AUTOSOMAL RECESSIVE; HYPER-IgE SYNDROME 2, AUTOSOMAL RECESSIVE, WITH RECURRENT INFECTIONS; Hyper-IgE recurrent infection syndrome, autosomal recessive; DOCK8 Deficiency. Identifiers: Orphanet 217390, MedGen C4722305, MONDO:0009478, OMIM 243700.

Submission:

Labcorp Genetics (formerly Invitae), Labcorp
Classification: Uncertain significance for Combined immunodeficiency due to DOCK8 deficiency. Last evaluated: 2022-10-17. Review status: criteria provided, single submitter. Criteria: Invitae Variant Classification Sherloc (09022015). Collection method: clinical testing. Allele origin: germline.
Comment: This sequence change replaces asparagine, which is neutral and polar, with threonine, which is neutral and polar, at codon 1108 of the DOCK8 protein (p.Asn1108Thr). This variant is not present in population databases (gnomAD no frequency). This variant has not been reported in the literature in individuals affected with DOCK8-related conditions. Advanced modeling of protein sequence and biophysical properties (such as structural, functional, and spatial information, amino acid conservation, physicochemical variation, residue mobility, and thermodynamic stability) performed at Invitae indicates that this missense variant is not expected to disrupt DOCK8 protein function. In summary, the available evidence is currently insufficient to determine the role of this variant in disease. Therefore, it has been classified as a Variant of Uncertain Significance.

NM_203447.4(DOCK8):c.3323A>C (p.Asn1108Thr)

Gene: DOCK8 (dedicator of cytokinesis 8; plus strand). Cytogenetic location: 9p24.3.
Variant type: single nucleotide variant.
Coding change: c.3323A>C on transcript NM_203447.4 (MANE Select); coding-DNA position 3323, A replaced by C.
Protein change: p.Asn1108Thr; replaces asparagine 1108 with threonine.
Molecular consequence: missense variant.
Genome position (GRCh38, 1-based): chr9:405,006, A>C. VCF-style: chr9-405006-A-C. GRCh37 (hg19) VCF-style: chr9-405006-A-C.
Other names: c.3023A>C, p.Asn1008Thr (NM_001190458.2); c.3119A>C, p.Asn1040Thr (NM_001193536.2); short protein forms N1040T, N1108T, N1008T.
Identifiers: ClinVar variation 2096474 (VCV002096474.1), dbSNP rs151210108, ClinGen allele CA372757835.